The following is an entry in ClinVar:

NM_001089.3(ABCA3):c.382A>G (p.Ser128Gly)

Gene: ABCA3 (ATP binding cassette subfamily A member 3; minus strand). Cytogenetic location: 16p13.3.
Variant type: single nucleotide variant.
Coding change: c.382A>G on transcript NM_001089.3 (MANE Select); coding-DNA position 382, A replaced by G.
Protein change: p.Ser128Gly; replaces serine 128 with glycine.
Molecular consequence: missense variant.
Genome position (GRCh38, 1-based): chr16:2,324,469, T>C on the plus strand (A>G on the coding strand, the complement: ABCA3 is on the minus strand). VCF-style: chr16-2324469-T-C. GRCh37 (hg19) VCF-style: chr16-2374470-T-C.
Other names: short protein forms S128G.
Identifiers: ClinVar variation 1735325 (VCV001735325.2), dbSNP rs762775158, ClinGen allele CA7841685.

ClinVar aggregate classification (germline): Uncertain significance (1 of 4 stars; one submission).

Conditions:
Hereditary pulmonary alveolar proteinosis. Also called: Pulmonary surfactant metabolism dysfunction. Identifiers: Orphanet 264675, MedGen C3711368, MONDO:0012580.

Allele frequency attached by ClinVar (database versions not stated): gnomAD 0.00001; gnomAD exomes 0.00001; ExAC 0.00003; TOPMed 0.00003.
gnomAD v4.1: 13 of 1,610,140 alleles (0.00081%); highest among the groups gnomAD compares: Non-Finnish European, 0.00017%; no homozygotes.

Submission:

Ambry Genetics
Classification: Uncertain significance for Hereditary pulmonary alveolar proteinosis. Last evaluated: 2014-07-21. Review status: criteria provided, single submitter. Criteria: Ambry Variant Classification Scheme 2023. Collection method: clinical testing. Allele origin: germline.
Comment: The p.S128G variant (also known as c.382A>G), located in coding exon 3 of the ABCA3 gene, results from an A to G substitution at nucleotide position 382. The serine at codon 128 is replaced by glycine, an amino acid with some similar properties. This variant was not reported in population based cohorts in the following databases: Database of Single Nucleotide Polymorphisms (dbSNP), NHLBI Exome Sequencing Project (ESP), and 1000 Genomes Project. In the ESP, this variant was not observed in 6,498 samples (12,996 alleles) with coverage at this position. This amino acid position is not conserved in available vertebrate species. In addition, the in silico prediction for this alteration is inconclusive. Since supporting evidence is limited at this time, the clinical significance of this variant remains unclear.